The following is an entry in ClinVar:

NM_000829.4(GRIA4):c.822A>T (p.Lys274Asn)

Gene: GRIA4 (glutamate ionotropic receptor AMPA type subunit 4; plus strand). Cytogenetic location: 11q22.3.
Variant type: single nucleotide variant.
Coding change: c.822A>T on transcript NM_000829.4 (MANE Select); coding-DNA position 822, A replaced by T.
Protein change: p.Lys274Asn; replaces lysine 274 with asparagine.
Molecular consequence: missense variant. On other transcripts: non-coding transcript variant (1).
Genome position (GRCh38, 1-based): chr11:105,898,364, A>T. VCF-style: chr11-105898364-A-T. GRCh37 (hg19) VCF-style: chr11-105769090-A-T.
Other names: c.822A>T, p.Lys274Asn (NM_001077243.3, NM_001077244.2, NM_001112812.2); short protein forms K274N.
Identifiers: ClinVar variation 2504899 (VCV002504899.1), dbSNP rs2497781307, ClinGen allele CA382303004.
Genomic context (GRCh38, chr11:105,898,364, plus strand): 5'-TGGTGGAGCCAATGTTACTGGATTCCAGTTGGTGGATTTTAATACACCTATGGTAATCAA[A>T]CTAATGGATCGCTGGAAGAAACTAGATCAGAGAGAGTATCCAGGATCTGAGACTCCTCCA-3'
Protein context (NP_000820.4, residues 264-284): LVDFNTPMVI[Lys274Asn]LMDRWKKLDQ

ClinVar aggregate classification (germline): Uncertain significance (1 of 4 stars; one submission).

Submission:

GeneDx
Classification: Uncertain significance. Last evaluated: 2022-12-07. Review status: criteria provided, single submitter. Criteria: GeneDx Variant Classification Process June 2021. Collection method: clinical testing. Allele origin: germline. Affected: yes.
Comment: Not observed at significant frequency in large population cohorts (gnomAD); In silico analysis supports that this missense variant does not alter protein structure/function; Has not been previously published as pathogenic or benign to our knowledge